The following is an entry in ClinVar:

NM_006929.5(SKIC2):c.2350C>T (p.Gln784Ter)

Gene: SKIC2 (SKI2 subunit of superkiller complex; plus strand). Cytogenetic location: 6p21.33.
Variant type: single nucleotide variant.
Coding change: c.2350C>T on transcript NM_006929.5 (MANE Select); coding-DNA position 2350, C replaced by T.
Protein change: p.Gln784Ter; replaces glutamine 784 with a stop codon.
Molecular consequence: nonsense.
Genome position (GRCh38, 1-based): chr6:31,967,013, C>T. VCF-style: chr6-31967013-C-T. GRCh37 (hg19) VCF-style: chr6-31934790-C-T.
Other names: short protein forms Q784*.
Identifiers: ClinVar variation 2859557 (VCV002859557.20), dbSNP rs1367777385, ClinGen allele CA363472594.

ClinVar aggregate classification (germline): Pathogenic. Review status: criteria provided, multiple submitters, no conflicts (2 of 4 stars). 2 submissions from 2 submitters: Pathogenic (2). Last evaluated 2024-11-19.

Allele frequency attached by ClinVar (database versions not stated): TOPMed below 0.00001; gnomAD 0.00001; gnomAD exomes 0.00001.
gnomAD v4.1: 9 of 1,612,906 alleles (0.00056%); highest among the groups gnomAD compares: Non-Finnish European, 0.00076%; no homozygotes.

Submissions (2):

Labcorp Genetics (formerly Invitae), Labcorp
Classification: Pathogenic. Last evaluated: 2024-11-19. Review status: criteria provided, single submitter. Criteria: Invitae Variant Classification Sherloc (09022015). Collection method: clinical testing. Allele origin: germline.
Comment: This sequence change creates a premature translational stop signal (p.Gln784*) in the SKIV2L gene. It is expected to result in an absent or disrupted protein product. Loss-of-function variants in SKIV2L are known to be pathogenic (PMID: 22444670). This variant is present in population databases (no rsID available, gnomAD 0.0009%). This variant has not been reported in the literature in individuals affected with SKIV2L-related conditions. ClinVar contains an entry for this variant (Variation ID: 2859557). For these reasons, this variant has been classified as Pathogenic.

CeGaT Center for Human Genetics Tuebingen
Classification: Pathogenic. Last evaluated: 2024-07-01. Review status: criteria provided, single submitter. Criteria: CeGaT Center For Human Genetics Tuebingen Variant Classification Criteria Version 2. Collection method: clinical testing. Allele origin: germline. Affected: yes. Observed: 1 variant allele.
Comment: SKIC2: PVS1, PM2

Literature cited by the submitters: PubMed 22444670 (cited by Labcorp Genetics (formerly Invitae), Labcorp).